The following is an entry in ClinVar:

ClinVar aggregate classification (germline): Likely benign (1 of 4 stars; one submission).

Allele frequency attached by ClinVar (database versions not stated): TOPMed 0.00002 and 0.00001; gnomAD 0.00001.
gnomAD v4.1: 1 of 152,320 alleles (0.00066%); highest among the groups gnomAD compares: Admixed American, 0.0065%; no homozygotes.

Submission:

GeneDx
Classification: Likely benign. Last evaluated: 2017-01-25. Review status: criteria provided, single submitter. Criteria: GeneDx Variant Classification (06012015). Collection method: clinical testing. Allele origin: germline. Affected: yes.
Comment: This variant is considered likely benign or benign based on one or more of the following criteria: it is a conservative change, it occurs at a poorly conserved position in the protein, it is predicted to be benign by multiple in silico algorithms, and/or has population frequency not consistent with disease.

NM_000890.5(KCNJ5):c.-11+14T>C

Gene: KCNJ5 (potassium inwardly rectifying channel subfamily J member 5; plus strand). Cytogenetic location: 11q24.3.
Variant type: single nucleotide variant.
Coding change: c.-11+14T>C on transcript NM_000890.5 (MANE Select); 14 bases into the intron after 11 bases upstream of the start codon, T replaced by C.
Molecular consequence: intron variant.
Genome position (GRCh38, 1-based): chr11:128,891,735, T>C. VCF-style: chr11-128891735-T-C. GRCh37 (hg19) VCF-style: chr11-128761630-T-C.
Other names: c.-11+14T>C (LRG_333t1); c.-100+14T>C (NM_001354169.2).
Identifiers: ClinVar variation 507020 (VCV000507020.1), dbSNP rs1436945797, ClinGen allele CA658797824.
Genomic context (GRCh38, chr11:128,891,735, plus strand): 5'-CCCCAGAAGTTAGCATCAGTGGGACTCGGAAGCTCCGATCTCAACAAGTAAGTTGTCTTC[T>C]TTTCCTCCTCCATTTCTCCCCCAGCTCGCGGGTTCTGGAGGGCAGGATGACACCCTCAGG-3'